The following is an entry in ClinVar:

NM_019074.4(DLL4):c.1102G>A (p.Asp368Asn)

Gene: DLL4 (delta like canonical Notch ligand 4; plus strand). Cytogenetic location: 15q15.1.
Variant type: single nucleotide variant.
Coding change: c.1102G>A on transcript NM_019074.4 (MANE Select); coding-DNA position 1102, G replaced by A.
Protein change: p.Asp368Asn; replaces aspartic acid 368 with asparagine.
Molecular consequence: missense variant.
Genome position (GRCh38, 1-based): chr15:40,934,979, G>A. VCF-style: chr15-40934979-G-A. GRCh37 (hg19) VCF-style: chr15-41227177-G-A.
Other names: short protein forms D368N.
Identifiers: ClinVar variation 2217867 (VCV002217867.6), dbSNP rs374783170, ClinGen allele CA7487853.

ClinVar aggregate classification (germline): Conflicting classifications of pathogenicity. Review status: criteria provided, conflicting classifications (1 of 4 stars). 4 submissions from 4 submitters: Uncertain significance (3); Likely benign (1). Last evaluated 2025-03-18.

Conditions:
Inborn genetic diseases. Identifiers: MedGen C0950123, MeSH D030342.
DLL4-related disorder. Also called: DLL4-related condition.
Focal segmental glomerulosclerosis 9 (FSGS9). Identifiers: Orphanet 656, MedGen C4015555, MONDO:0014539, OMIM 616220.
Adams-Oliver syndrome 6 (AOS6). Identifiers: Orphanet 974, MedGen C4225271, MONDO:0014703, OMIM 616589.

Allele frequency attached by ClinVar (database versions not stated): ExAC 0.00002; ESP Exome Variant Server 0.00008; gnomAD 0.00003; gnomAD exomes 0.00003; TOPMed 0.00003.

Submissions (4):

Ambry Genetics
Classification: Uncertain significance for Inborn genetic diseases. Last evaluated: 2025-03-18. Review status: criteria provided, single submitter. Criteria: Ambry Variant Classification Scheme 2023. Collection method: clinical testing. Allele origin: germline.

Johns Hopkins Genomics, Johns Hopkins University
Classification: Likely benign for Focal segmental glomerulosclerosis 9. Last evaluated: 2025-02-18. Review status: criteria provided, single submitter. Criteria: ACMG Guidelines, 2015. Collection method: clinical testing. Allele origin: germline.
Comment: This variant is classified as likely benign (PM2, PP2, BS2_supporting, BP4).

PreventionGenetics, part of Exact Sciences
Classification: Uncertain significance for DLL4-related condition. Last evaluated: 2023-09-15. Review status: criteria provided, single submitter. Criteria: ACMG Guidelines, 2015. Collection method: clinical testing. Allele origin: germline.
Comment: The DLL4 c.1102G>A variant is predicted to result in the amino acid substitution p.Asp368Asn. To our knowledge, this variant has not been reported in the literature. This variant is reported in 0.0065% of alleles in individuals of African descent in gnomAD. At this time, the clinical significance of this variant is uncertain due to the absence of conclusive functional and genetic evidence.

Department of Pathology and Laboratory Medicine, Sinai Health System
Classification: Uncertain significance for Adams-Oliver syndrome 6. Last evaluated: 2022-06-16. Review status: criteria provided, single submitter. Criteria: ACMG Guidelines, 2015. Collection method: research. Allele origin: germline.

Literature cited by the submitters: PubMed 26299364 (cited by Johns Hopkins Genomics, Johns Hopkins University).